The following is an entry in ClinVar:

NM_001035.3(RYR2):c.344A>G (p.Tyr115Cys)

Gene: RYR2 (ryanodine receptor 2; plus strand). Cytogenetic location: 1q43.
Variant type: single nucleotide variant.
Coding change: c.344A>G on transcript NM_001035.3 (MANE Select); coding-DNA position 344, A replaced by G.
Protein change: p.Tyr115Cys; replaces tyrosine 115 with cysteine.
Molecular consequence: missense variant.
Genome position (GRCh38, 1-based): chr1:237,369,568, A>G. VCF-style: chr1-237369568-A-G. GRCh37 (hg19) VCF-style: chr1-237532868-A-G.
Other names: c.344A>G, p.Tyr115Cys (LRG_402t1); short protein forms Y115C.
Identifiers: ClinVar variation 572162 (VCV000572162.12), dbSNP rs1558698334, ClinGen allele CA345654978.

ClinVar aggregate classification (germline): Pathogenic/Likely pathogenic. Review status: criteria provided, multiple submitters, no conflicts (2 of 4 stars). 2 submissions from 2 submitters: Pathogenic (1); Likely pathogenic (1). Last evaluated 2025-07-09.

Conditions:
Catecholaminergic polymorphic ventricular tachycardia 1. Also called: RYR2-Related Catecholaminergic Polymorphic Ventricular Tachycardia; VENTRICULAR TACHYCARDIA, CATECHOLAMINERGIC POLYMORPHIC, 1, WITH OR WITHOUT ATRIAL DYSFUNCTION AND/OR DILATED CARDIOMYOPATHY; VENTRICULAR TACHYCARDIA, STRESS-INDUCED POLYMORPHIC 1. Identifiers: Orphanet 3286, MedGen C1631597, MONDO:0011484, OMIM 604772.

Submissions (2):

Labcorp Genetics (formerly Invitae), Labcorp
Classification: Pathogenic for Catecholaminergic polymorphic ventricular tachycardia 1. Last evaluated: 2025-07-09. Review status: criteria provided, single submitter. Criteria: Invitae Variant Classification Sherloc (09022015). Collection method: clinical testing. Allele origin: germline.
Comment: This sequence change replaces tyrosine, which is neutral and polar, with cysteine, which is neutral and slightly polar, at codon 115 of the RYR2 protein (p.Tyr115Cys). This variant is not present in population databases (gnomAD no frequency). This missense change has been observed in individual(s) with autosomal dominant RYR2-related disease (internal data). In at least one individual the variant was observed to be de novo. ClinVar contains an entry for this variant (Variation ID: 572162). Invitae Evidence Modeling of protein sequence and biophysical properties (such as structural, functional, and spatial information, amino acid conservation, physicochemical variation, residue mobility, and thermodynamic stability) indicates that this missense variant is expected to disrupt RYR2 protein function with a positive predictive value of 95%. For these reasons, this variant has been classified as Pathogenic.

MVZ Martinsried, Medicover Genetics
Classification: Likely pathogenic for Catecholaminergic polymorphic ventricular tachycardia 1. Last evaluated: 2019-12-10. Review status: criteria provided, single submitter. Criteria: ACMG Guidelines, 2015. Collection method: clinical testing. Allele origin: unknown. Affected: yes.